The following is an entry in ClinVar:

NM_002444.3(MSN):c.877C>T (p.Arg293Cys)

Gene: MSN (moesin; plus strand). Cytogenetic location: Xq12.
Variant type: single nucleotide variant.
Coding change: c.877C>T on transcript NM_002444.3 (MANE Select); coding-DNA position 877, C replaced by T.
Protein change: p.Arg293Cys; replaces arginine 293 with cysteine.
Molecular consequence: missense variant.
Genome position (GRCh38, 1-based): chrX:65,735,348, C>T. VCF-style: chrX-65735348-C-T. GRCh37 (hg19) VCF-style: chrX-64955210-C-T.
Other names: short protein forms R293C.
Identifiers: ClinVar variation 2584545 (VCV002584545.5), dbSNP rs1379781650, ClinGen allele CA413412704.

ClinVar aggregate classification (germline): Uncertain significance. Review status: criteria provided, multiple submitters, no conflicts (2 of 4 stars). 2 submissions from 2 submitters: Uncertain significance (2). Last evaluated 2023-09-29.

Conditions:
Combined immunodeficiency due to moesin deficiency. Also called: Immunodeficiency 50; IMMUNODEFICIENCY 50, X-LINKED RECESSIVE. Identifiers: Orphanet 504530, MedGen C5568123, MONDO:0010514, OMIM 300988.

Allele frequency attached by ClinVar (database versions not stated): TOPMed below 0.00001.

Submissions (2):

Center for Human Genetics and Genomic Medicine, Uniklinik Rwth Aachen
Classification: Uncertain significance for Combined immunodeficiency due to moesin deficiency. Last evaluated: 2023-09-29. Review status: criteria provided, single submitter. Criteria: ACMG Guidelines, 2015. Collection method: clinical testing. Allele origin: de novo. Inheritance: X-linked inheritance. Affected: yes. Observed: 1 heterozygote.
Comment: The detected change is not reported in the general population (gnomAD) (as of September 29, 2023). The variant has not yet been reported in the ClinVar database or in the literature. Bioinformatic prediction programs assess the variant as “likely disease-causing” (CADDphred 28, MutationTaster, Polyphen, SIFT). The variant is currently classified as a “variant of uncertain clinical significance” (ACMG criteria).

Labcorp Genetics (formerly Invitae), Labcorp
Classification: Uncertain significance. Last evaluated: 2023-04-10. Review status: criteria provided, single submitter. Criteria: Invitae Variant Classification Sherloc (09022015). Collection method: clinical testing. Allele origin: germline.
Comment: In summary, the available evidence is currently insufficient to determine the role of this variant in disease. Therefore, it has been classified as a Variant of Uncertain Significance. An algorithm developed to predict the effect of missense changes on protein structure and function (PolyPhen-2) suggests that this variant is likely to be disruptive. This variant has not been reported in the literature in individuals affected with MSN-related conditions. This variant is not present in population databases (gnomAD no frequency). This sequence change replaces arginine, which is basic and polar, with cysteine, which is neutral and slightly polar, at codon 293 of the MSN protein (p.Arg293Cys).